The following is an entry in ClinVar:

NM_001006658.3(CR2):c.2483A>G (p.His828Arg)

Gene: CR2 (complement C3d receptor 2; plus strand). Cytogenetic location: 1q32.2.
Variant type: single nucleotide variant.
Coding change: c.2483A>G on transcript NM_001006658.3 (MANE Select); coding-DNA position 2483, A replaced by G.
Protein change: p.His828Arg; replaces histidine 828 with arginine.
Molecular consequence: missense variant.
Genome position (GRCh38, 1-based): chr1:207,474,983, A>G. VCF-style: chr1-207474983-A-G. GRCh37 (hg19) VCF-style: chr1-207648328-A-G.
Other names: c.2306A>G, p.His769Arg (NM_001877.5); short protein forms H769R, H828R.
Identifiers: ClinVar variation 835171 (VCV000835171.5), dbSNP rs934864394, ClinGen allele CA36652885.

ClinVar aggregate classification (germline): Uncertain significance (1 of 4 stars; one submission).

Conditions:
Immunodeficiency, common variable, 7. Identifiers: Orphanet 1572, Orphanet 696894, MedGen C3542922, MONDO:0013862, OMIM 614699.

Allele frequency attached by ClinVar (database versions not stated): gnomAD exomes below 0.00001; gnomAD 0.00001; TOPMed 0.00001.
gnomAD v4.1: 4 of 1,614,040 alleles (0.00025%); highest among the groups gnomAD compares: South Asian, 0.0022%; no homozygotes.

Submission:

Labcorp Genetics (formerly Invitae), Labcorp
Classification: Uncertain significance for Immunodeficiency, common variable, 7. Last evaluated: 2021-11-01. Review status: criteria provided, single submitter. Criteria: Invitae Variant Classification Sherloc (09022015). Collection method: clinical testing. Allele origin: germline.
Comment: This sequence change replaces histidine, which is basic and polar, with arginine, which is basic and polar, at codon 828 of the CR2 protein (p.His828Arg). This variant is present in population databases (no rsID available, gnomAD 0.006%). This variant has not been reported in the literature in individuals affected with CR2-related conditions. ClinVar contains an entry for this variant (Variation ID: 835171). Algorithms developed to predict the effect of missense changes on protein structure and function output the following: SIFT: "Tolerated"; PolyPhen-2: "Benign"; Align-GVGD: "Class C0". The arginine amino acid residue is found in multiple mammalian species, which suggests that this missense change does not adversely affect protein function. In summary, the available evidence is currently insufficient to determine the role of this variant in disease. Therefore, it has been classified as a Variant of Uncertain Significance.